The following is an entry in ClinVar:

NM_001372.4(DNAH9):c.6233A>G (p.Asn2078Ser)

Gene: DNAH9 (dynein axonemal heavy chain 9; plus strand). Cytogenetic location: 17p12.
Variant type: single nucleotide variant.
Coding change: c.6233A>G on transcript NM_001372.4 (MANE Select); coding-DNA position 6233, A replaced by G.
Protein change: p.Asn2078Ser; replaces asparagine 2078 with serine.
Molecular consequence: missense variant.
Genome position (GRCh38, 1-based): chr17:11,744,918, A>G. VCF-style: chr17-11744918-A-G. GRCh37 (hg19) VCF-style: chr17-11648235-A-G.
Other names: short protein forms N2078S.
Identifiers: ClinVar variation 1921167 (VCV001921167.3), dbSNP rs974050145, ClinGen allele CA287814855.

ClinVar aggregate classification (germline): Uncertain significance (1 of 4 stars; one submission).

Allele frequency attached by ClinVar (database versions not stated): gnomAD exomes 0.00001.
gnomAD v4.1: 8 of 1,614,158 alleles (0.0005%); highest among the groups gnomAD compares: Non-Finnish European, 0.00068%; no homozygotes.

Submission:

Labcorp Genetics (formerly Invitae), Labcorp
Classification: Uncertain significance. Last evaluated: 2022-01-05. Review status: criteria provided, single submitter. Criteria: Invitae Variant Classification Sherloc (09022015). Collection method: clinical testing. Allele origin: germline.
Comment: In summary, the available evidence is currently insufficient to determine the role of this variant in disease. Therefore, it has been classified as a Variant of Uncertain Significance. Algorithms developed to predict the effect of sequence changes on RNA splicing suggest that this variant may create or strengthen a splice site. Algorithms developed to predict the effect of missense changes on protein structure and function are either unavailable or do not agree on the potential impact of this missense change (SIFT: "Deleterious"; PolyPhen-2: "Probably Damaging"; Align-GVGD: "Class C0"). This variant has not been reported in the literature in individuals affected with DNAH9-related conditions. This variant is present in population databases (no rsID available, gnomAD 0.0009%). This sequence change replaces asparagine, which is neutral and polar, with serine, which is neutral and polar, at codon 2078 of the DNAH9 protein (p.Asn2078Ser).